The following is an entry in ClinVar:

NM_024747.6(HPS6):c.367G>A (p.Gly123Ser)

Gene: HPS6 (HPS6 biogenesis of lysosomal organelles complex 2 subunit 3; plus strand). Cytogenetic location: 10q24.32.
Variant type: single nucleotide variant.
Coding change: c.367G>A on transcript NM_024747.6 (MANE Select); coding-DNA position 367, G replaced by A.
Protein change: p.Gly123Ser; replaces glycine 123 with serine.
Molecular consequence: missense variant.
Genome position (GRCh38, 1-based): chr10:102,065,841, G>A. VCF-style: chr10-102065841-G-A. GRCh37 (hg19) VCF-style: chr10-103825598-G-A.
Other names: short protein forms G123S.
Identifiers: ClinVar variation 1952880 (VCV001952880.5), dbSNP rs944265534, ClinGen allele CA377856613.

ClinVar aggregate classification (germline): Uncertain significance (1 of 4 stars; one submission).

Submission:

Labcorp Genetics (formerly Invitae), Labcorp
Classification: Uncertain significance. Last evaluated: 2022-09-09. Review status: criteria provided, single submitter. Criteria: Invitae Variant Classification Sherloc (09022015). Collection method: clinical testing. Allele origin: germline.
Comment: This variant has not been reported in the literature in individuals affected with HPS6-related conditions. This sequence change replaces glycine, which is neutral and non-polar, with serine, which is neutral and polar, at codon 123 of the HPS6 protein (p.Gly123Ser). This variant is not present in population databases (gnomAD no frequency). Advanced modeling of protein sequence and biophysical properties (such as structural, functional, and spatial information, amino acid conservation, physicochemical variation, residue mobility, and thermodynamic stability) performed at Invitae indicates that this missense variant is not expected to disrupt HPS6 protein function. In summary, the available evidence is currently insufficient to determine the role of this variant in disease. Therefore, it has been classified as a Variant of Uncertain Significance.